The following is an entry in ClinVar:

ClinVar aggregate classification (germline): Pathogenic (1 of 4 stars; one submission).

Conditions:
Beckwith-Wiedemann syndrome (BWS). Also called: EMG SYNDROME; Exomphalos macroglossia gigantism syndrome. Identifiers: Orphanet 116, MedGen C0004903, MONDO:0007534, OMIM 130650.

Submission:

Labcorp Genetics (formerly Invitae), Labcorp
Classification: Pathogenic for Beckwith-Wiedemann syndrome. Last evaluated: 2022-08-16. Review status: criteria provided, single submitter. Criteria: Invitae Variant Classification Sherloc (09022015). Collection method: clinical testing. Allele origin: germline.
Comment: For these reasons, this variant has been classified as Pathogenic. ClinVar contains an entry for this variant (Variation ID: 1455977). This sequence change creates a premature translational stop signal (p.Pro152Hisfs*89) in the CDKN1C gene. It is expected to result in an absent or disrupted protein product. Loss-of-function variants in CDKN1C are known to be pathogenic (PMID: 20503313). This variant is not present in population databases (gnomAD no frequency). This variant has not been reported in the literature in individuals affected with CDKN1C-related conditions.

Literature cited by the submitters: PubMed 20503313.

NM_001122630.2(CDKN1C):c.421_422insA (p.Pro141fs)

Gene: CDKN1C (cyclin dependent kinase inhibitor 1C; minus strand). Cytogenetic location: 11p15.4.
Variant type: Insertion.
Coding change: c.421_422insA on transcript NM_001122630.2 (MANE Select); coding-DNA positions 421 to 422, A inserted.
Protein change: p.Pro141fs; shifts the reading frame from proline 141.
Molecular consequence: frameshift variant. On other transcripts: intron variant (1).
Genome position: GRCh38 VCF-style: chr11-2885035-G-GT. GRCh37 (hg19) VCF-style: chr11-2906265-G-GT.
Other names: c.454_455insA, p.Pro152fs (NM_000076.2, NM_001362474.2); c.421_422insA, p.Pro141fs (NM_001122631.2); c.255+166_255+167insA (NM_001362475.2); short protein forms P152fs, P141fs.
Identifiers: ClinVar variation 1455977 (VCV001455977.6), dbSNP rs2133784672, ClinGen allele CA2573145987.
Genomic context (GRCh38, chr11:2,885,035, plus strand): 5'-GGAGCCGCGACCGGAGCCGCGACCGGAGCCGGAGCCGGGGCCGGGGCTGGAGCCAGGACC[G>GT]GGACTGGGGGCGGGGTGGACGCCGGGGCCGGGACCGGGACACTAGGCAGCTGCTCCGGCG-3'